The following is an entry in ClinVar:

NM_000419.5(ITGA2B):c.207C>T (p.Gly69=)

Gene: ITGA2B (integrin subunit alpha 2b; minus strand). Cytogenetic location: 17q21.31.
Variant type: single nucleotide variant.
Coding change: c.207C>T on transcript NM_000419.5 (MANE Select); coding-DNA position 207, C replaced by T.
Protein change: p.Gly69=; no amino-acid change (glycine 69 retained).
Molecular consequence: synonymous variant.
Genome position (GRCh38, 1-based): chr17:44,386,113, G>A on the plus strand (C>T on the coding strand, the complement: ITGA2B is on the minus strand). VCF-style: chr17-44386113-G-A. GRCh37 (hg19) VCF-style: chr17-42463481-G-A.
Other names: c.207C>T (LRG_479t1).
Identifiers: ClinVar variation 323572 (VCV000323572.12), dbSNP rs375882355, ClinGen allele CA8603512.

ClinVar aggregate classification (germline): Likely benign. Review status: reviewed by expert panel (3 of 4 stars). 4 submissions from 4 submitters: Likely benign (1). 3 of the submissions do not count toward it. Last evaluated 2021-05-07.

Conditions:
Glanzmann thrombasthenia. Also called: PLATELET GLYCOPROTEIN IIb-IIIa DEFICIENCY; Thrombasthenia; Glanzmann's thrombasthenia; BLEEDING DISORDER, PLATELET-TYPE, 2; THROMBASTHENIA OF GLANZMANN AND NAEGELI. Identifiers: Orphanet 849, MedGen C0040015, MONDO:0100326.

Allele frequency attached by ClinVar (database versions not stated): TOPMed 0.00035; gnomAD 0.00036 and 0.00038; ESP Exome Variant Server 0.00047; gnomAD exomes 0.00068; ExAC 0.00093.
gnomAD v4.1: 425 of 1,601,454 alleles (0.027%); highest among the groups gnomAD compares: Middle Eastern, 0.017%; 2 homozygotes.

Submissions (4):

ClinGen Platelet Disorders Variant Curation Expert Panel, ClinGen
Classification: Likely benign for Glanzmann thrombasthenia. Last evaluated: 2021-05-07. Review status: reviewed by expert panel. Criteria: ClinGen Platelet ACMG Specifications v2. Collection method: curation. Allele origin: germline. Inheritance: Autosomal recessive inheritance.
Comment: The NM_000419.5:c.207C>T variant in ITGA2B predicts a synonymous change, Gly69=. It has been reported at a high frequency in the Ashkenazi Jewish population, 0.01299 (1.2%; 126/9700 alleles) with 1 homozygote, in gnomAD v2.1.1. The variant occurs at a nucleotide that is not conserved and splicing predictors do predict an impact on splicing. The variant has not been reported in GT patients in the literature to the best of our knowledge. In summary, the variant meets criteria to be classified as likely benign. GT-specific criteria applied: BS1, BP4, and BP7.

Labcorp Genetics (formerly Invitae), Labcorp
Classification: Benign for Glanzmann thrombasthenia. Last evaluated: 2026-01-12. Review status: criteria provided, single submitter. Criteria: Invitae Variant Classification Sherloc (09022015). Collection method: clinical testing. Allele origin: germline. Not counted in ClinVar's aggregate classification.

Mayo Clinic Laboratories, Mayo Clinic
Classification: Likely benign. Last evaluated: 2024-05-09. Review status: criteria provided, single submitter. Criteria: ACMG Guidelines, 2015. Collection method: clinical testing. Allele origin: germline. Observed: 2 variant alleles. Not counted in ClinVar's aggregate classification.
Comment: BS1, BP4, BP6, BP7

Illumina Laboratory Services, Illumina
Classification: Uncertain significance for Glanzmann thrombasthenia 1. Last evaluated: 2018-01-12. Review status: criteria provided, single submitter. Criteria: ICSL Variant Classification Criteria 13 December 2019. Collection method: clinical testing. Allele origin: germline. Not counted in ClinVar's aggregate classification.